The following is an entry in ClinVar:

NM_006904.7(PRKDC):c.5099C>T (p.Thr1700Ile)

Gene: PRKDC (protein kinase, DNA-activated, catalytic subunit; minus strand). Cytogenetic location: 8q11.21.
Variant type: single nucleotide variant.
Coding change: c.5099C>T on transcript NM_006904.7 (MANE Select); coding-DNA position 5099, C replaced by T.
Protein change: p.Thr1700Ile; replaces threonine 1700 with isoleucine.
Molecular consequence: missense variant.
Genome position (GRCh38, 1-based): chr8:47,879,627, G>A on the plus strand (C>T on the coding strand, the complement: PRKDC is on the minus strand). VCF-style: chr8-47879627-G-A. GRCh37 (hg19) VCF-style: chr8-48792188-G-A.
Other names: c.5099C>T (NM_006904.6); c.5099C>T, p.Thr1700Ile (NM_001081640.2); short protein forms T1700I.
Identifiers: ClinVar variation 1505745 (VCV001505745.7), dbSNP rs1420188419, ClinGen allele CA371139463.

ClinVar aggregate classification (germline): Uncertain significance. Review status: criteria provided, multiple submitters, no conflicts (2 of 4 stars). 2 submissions from 2 submitters: Uncertain significance (2). Last evaluated 2022-12-27.

Conditions:
Severe combined immunodeficiency due to DNA-PKcs deficiency. Also called: Immunodeficiency 26 with or without neurologic abnormalities; IMMUNODEFICIENCY 26 WITH NEUROLOGIC ABNORMALITIES. Identifiers: Orphanet 317425, MedGen C4014833, MONDO:0014423, OMIM 615966.

gnomAD v4.1: 3 of 1,587,424 alleles (0.00019%); highest among the groups gnomAD compares: Admixed American, 0.0054%; no homozygotes.

Submissions (2):

Ambry Genetics
Classification: Uncertain significance. Last evaluated: 2022-12-27. Review status: criteria provided, single submitter. Criteria: Ambry Variant Classification Scheme 2023. Collection method: clinical testing. Allele origin: germline.
Comment: The p.T1700I variant (also known as c.5099C>T), located in coding exon 39 of the PRKDC gene, results from a C to T substitution at nucleotide position 5099. The threonine at codon 1700 is replaced by isoleucine, an amino acid with similar properties. This amino acid position is conserved. Since supporting evidence is limited at this time, the clinical significance of this alteration remains unclear.

Labcorp Genetics (formerly Invitae), Labcorp
Classification: Uncertain significance for Severe combined immunodeficiency due to DNA-PKcs deficiency. Last evaluated: 2022-11-22. Review status: criteria provided, single submitter. Criteria: Invitae Variant Classification Sherloc (09022015). Collection method: clinical testing. Allele origin: germline.
Comment: This sequence change replaces threonine, which is neutral and polar, with isoleucine, which is neutral and non-polar, at codon 1700 of the PRKDC protein (p.Thr1700Ile). The frequency data for this variant in the population databases is considered unreliable, as metrics indicate poor data quality at this position in the gnomAD database. This variant has not been reported in the literature in individuals affected with PRKDC-related conditions. ClinVar contains an entry for this variant (Variation ID: 1505745). Advanced modeling of protein sequence and biophysical properties (such as structural, functional, and spatial information, amino acid conservation, physicochemical variation, residue mobility, and thermodynamic stability) performed at Invitae indicates that this missense variant is not expected to disrupt PRKDC protein function. In summary, the available evidence is currently insufficient to determine the role of this variant in disease. Therefore, it has been classified as a Variant of Uncertain Significance.